The following is an entry in ClinVar:

NM_003924.4(PHOX2B):c.632A>G (p.Asn211Ser)

Gene: PHOX2B (paired like homeobox 2B; minus strand). Cytogenetic location: 4p13.
Variant type: single nucleotide variant.
Coding change: c.632A>G on transcript NM_003924.4 (MANE Select); coding-DNA position 632, A replaced by G.
Protein change: p.Asn211Ser; replaces asparagine 211 with serine.
Molecular consequence: missense variant.
Genome position (GRCh38, 1-based): chr4:41,746,120, T>C on the plus strand (A>G on the coding strand, the complement: PHOX2B is on the minus strand). VCF-style: chr4-41746120-T-C. GRCh37 (hg19) VCF-style: chr4-41748137-T-C.
Other names: short protein forms N211S.
Identifiers: ClinVar variation 958682 (VCV000958682.12), dbSNP rs1733890628, ClinGen allele CA356737595.

ClinVar aggregate classification (germline): Conflicting classifications of pathogenicity. Review status: criteria provided, conflicting classifications (1 of 4 stars). 2 submissions from 2 submitters: Uncertain significance (1); Likely benign (1). Last evaluated 2022-03-05.

Conditions:
Hereditary cancer-predisposing syndrome. Also called: Tumor predisposition; Hereditary neoplastic syndrome; Neoplastic Syndromes, Hereditary; Hereditary Cancer Syndrome. Identifiers: Orphanet 140162, MedGen C0027672, MeSH D009386, MONDO:0015356.
Haddad syndrome (OHD). Also called: Ondine-Hirschsprung disease. Identifiers: Orphanet 99803, MedGen C1859049, MONDO:0020493.

Allele frequency attached by ClinVar (database versions not stated): gnomAD exomes 0.00001.

Submissions (2):

Labcorp Genetics (formerly Invitae), Labcorp
Classification: Uncertain significance for Haddad syndrome. Last evaluated: 2022-03-05. Review status: criteria provided, single submitter. Criteria: Invitae Variant Classification Sherloc (09022015). Collection method: clinical testing. Allele origin: germline.
Comment: In summary, the available evidence is currently insufficient to determine the role of this variant in disease. Therefore, it has been classified as a Variant of Uncertain Significance. Algorithms developed to predict the effect of missense changes on protein structure and function output the following: SIFT: "Tolerated"; PolyPhen-2: "Not Available"; Align-GVGD: "Class C0". The serine amino acid residue is found in multiple mammalian species, which suggests that this missense change does not adversely affect protein function. ClinVar contains an entry for this variant (Variation ID: 958682). This variant has not been reported in the literature in individuals affected with PHOX2B-related conditions. This variant is not present in population databases (gnomAD no frequency). This sequence change replaces asparagine, which is neutral and polar, with serine, which is neutral and polar, at codon 211 of the PHOX2B protein (p.Asn211Ser).

Ambry Genetics
Classification: Likely benign for Hereditary cancer-predisposing syndrome. Last evaluated: 2021-02-26. Review status: criteria provided, single submitter. Criteria: Ambry Variant Classification Scheme 2023. Collection method: clinical testing. Allele origin: germline.